The following is an entry in ClinVar:

ClinVar aggregate classification (germline): Uncertain significance (1 of 4 stars; one submission).

Allele frequency attached by ClinVar (database versions not stated): gnomAD exomes below 0.00001; TOPMed below 0.00001; gnomAD 0.00001.
gnomAD v4.1: 3 of 1,613,852 alleles (0.00019%); highest among the groups gnomAD compares: African/African-American, 0.0013%; no homozygotes.

Submission:

Labcorp Genetics (formerly Invitae), Labcorp
Classification: Uncertain significance. Last evaluated: 2023-08-24. Review status: criteria provided, single submitter. Criteria: Invitae Variant Classification Sherloc (09022015). Collection method: clinical testing. Allele origin: germline.
Comment: In summary, the available evidence is currently insufficient to determine the role of this variant in disease. Therefore, it has been classified as a Variant of Uncertain Significance. An algorithm developed to predict the effect of missense changes on protein structure and function (PolyPhen-2) suggests that this variant is likely to be disruptive. ClinVar contains an entry for this variant (Variation ID: 1493000). This variant has not been reported in the literature in individuals affected with AP3B2-related conditions. This variant is present in population databases (no rsID available, gnomAD 0.007%). This sequence change replaces glutamic acid, which is acidic and polar, with lysine, which is basic and polar, at codon 590 of the AP3B2 protein (p.Glu590Lys).

NM_001278512.2(AP3B2):c.1768G>A (p.Glu590Lys)

Genes: AP3B2 (adaptor related protein complex 3 subunit beta 2; minus strand), CPEB1-AS1 (CPEB1 antisense RNA 1; plus strand). Cytogenetic location: 15q25.2.
Variant type: single nucleotide variant.
Coding change: c.1768G>A on transcript NM_001278512.2 (MANE Select); coding-DNA position 1768, G replaced by A.
Protein change: p.Glu590Lys; replaces glutamic acid 590 with lysine.
Molecular consequence: missense variant.
Genome position (GRCh38, 1-based): chr15:82,666,831, C>T on the plus strand (G>A on the coding strand, the complement: AP3B2 is on the minus strand). VCF-style: chr15-82666831-C-T. GRCh37 (hg19) VCF-style: chr15-83335583-C-T.
Other names: c.1672G>A, p.Glu558Lys (NM_001278511.2); c.1768G>A, p.Glu590Lys (NM_004644.5); short protein forms E590K, E558K.
Identifiers: ClinVar variation 1493000 (VCV001493000.6), dbSNP rs943737232, ClinGen allele CA273484043.